The following is an entry in ClinVar:

NM_000245.4(MET):c.3706A>C (p.Ser1236Arg)

Gene: MET (MET proto-oncogene, receptor tyrosine kinase; plus strand). Cytogenetic location: 7q31.2.
Variant type: single nucleotide variant.
Coding change: c.3706A>C on transcript NM_000245.4 (MANE Select); coding-DNA position 3706, A replaced by C.
Protein change: p.Ser1236Arg; replaces serine 1236 with arginine.
Molecular consequence: missense variant.
Genome position (GRCh38, 1-based): chr7:116,783,377, A>C. VCF-style: chr7-116783377-A-C. GRCh37 (hg19) VCF-style: chr7-116423431-A-C.
Other names: c.3760A>C, p.Ser1254Arg (NM_001127500.3); c.2416A>C, p.Ser806Arg (NM_001324402.2); short protein forms S1236R, S806R, S1254R.
Identifiers: ClinVar variation 2567662 (VCV002567662.2), dbSNP rs2117066340, ClinGen allele CA368991668.

ClinVar aggregate classification (germline): Uncertain significance (1 of 4 stars; one submission).

Conditions:
Hereditary cancer-predisposing syndrome. Also called: Hereditary neoplastic syndrome; Hereditary Cancer Syndrome; Neoplastic Syndromes, Hereditary; Tumor predisposition. Identifiers: Orphanet 140162, MedGen C0027672, MeSH D009386, MONDO:0015356.

Submission:

Ambry Genetics
Classification: Uncertain significance for Hereditary cancer-predisposing syndrome. Last evaluated: 2023-03-21. Review status: criteria provided, single submitter. Criteria: Ambry Variant Classification Scheme 2023. Collection method: clinical testing. Allele origin: germline.
Comment: The p.S1254R variant (also known as c.3760A>C), located in coding exon 18 of the MET gene, results from an A to C substitution at nucleotide position 3760. The serine at codon 1254 is replaced by arginine, an amino acid with dissimilar properties. This amino acid position is highly conserved in available vertebrate species. In addition, the in silico prediction for this alteration is inconclusive. Since supporting evidence is limited at this time, the clinical significance of this alteration remains unclear.